The following is an entry in ClinVar:

ClinVar aggregate classification (germline): Uncertain significance (1 of 4 stars; one submission).

Allele frequency attached by ClinVar (database versions not stated): gnomAD exomes below 0.00001; TOPMed below 0.00001; ExAC 0.00001; gnomAD 0.00001.
gnomAD v4.1: 4 of 1,611,886 alleles (0.00025%); highest among the groups gnomAD compares: African/African-American, 0.004%; no homozygotes.

Submission:

Ambry Genetics
Classification: Uncertain significance. Last evaluated: 2024-02-22. Review status: criteria provided, single submitter. Criteria: Ambry Variant Classification Scheme 2023. Collection method: clinical testing. Allele origin: germline.
Comment: The p.I1235L variant (also known as c.3703A>C), located in coding exon 16 of the POLQ gene, results from an A to C substitution at nucleotide position 3703. The isoleucine at codon 1235 is replaced by leucine, an amino acid with highly similar properties. This amino acid position is conserved. In addition, this alteration is predicted to be tolerated by in silico analysis. Since supporting evidence is limited at this time, the clinical significance of this alteration remains unclear.

NM_199420.4(POLQ):c.3703A>C (p.Ile1235Leu)

Gene: POLQ (DNA polymerase theta; minus strand). Cytogenetic location: 3q13.33.
Variant type: single nucleotide variant.
Coding change: c.3703A>C on transcript NM_199420.4 (MANE Select); coding-DNA position 3703, A replaced by C.
Protein change: p.Ile1235Leu; replaces isoleucine 1235 with leucine.
Molecular consequence: missense variant.
Genome position (GRCh38, 1-based): chr3:121,489,228, T>G on the plus strand (A>C on the coding strand, the complement: POLQ is on the minus strand). VCF-style: chr3-121489228-T-G. GRCh37 (hg19) VCF-style: chr3-121208075-T-G.
Other names: short protein forms I1235L.
Identifiers: ClinVar variation 1734117 (VCV001734117.2), dbSNP rs753913320, ClinGen allele CA2563015.